The following is an entry in ClinVar:

ClinVar aggregate classification (germline): Uncertain significance (1 of 4 stars; one submission).

Conditions:
Bardet-Biedl syndrome (BBS). Identifiers: Orphanet 110, MedGen C0752166, MONDO:0015229.

Allele frequency attached by ClinVar (database versions not stated): gnomAD exomes below 0.00001; ExAC 0.00002; ESP Exome Variant Server 0.00008.
gnomAD v4.1: 5 of 1,613,226 alleles (0.00031%); highest among the groups gnomAD compares: Non-Finnish European, 0.00034%; no homozygotes.

Submission:

Labcorp Genetics (formerly Invitae), Labcorp
Classification: Uncertain significance for Bardet-Biedl syndrome. Last evaluated: 2022-08-21. Review status: criteria provided, single submitter. Criteria: Invitae Variant Classification Sherloc (09022015). Collection method: clinical testing. Allele origin: germline.
Comment: In summary, the available evidence is currently insufficient to determine the role of this variant in disease. Therefore, it has been classified as a Variant of Uncertain Significance. Variants that disrupt the consensus splice site are a relatively common cause of aberrant splicing (PMID: 17576681, 9536098). Algorithms developed to predict the effect of sequence changes on RNA splicing suggest that this variant is not likely to affect RNA splicing. This variant has not been reported in the literature in individuals affected with WDPCP-related conditions. This variant is present in population databases (rs371616817, gnomAD 0.002%). This sequence change falls in intron 13 of the WDPCP gene. It does not directly change the encoded amino acid sequence of the WDPCP protein. It affects a nucleotide within the consensus splice site.

Literature cited by the submitters: PubMed 17576681; PubMed 9536098.

NM_015910.7(WDPCP):c.1812+3G>A

Gene: WDPCP (WD repeat containing planar cell polarity effector; minus strand). Cytogenetic location: 2p15.
Variant type: single nucleotide variant.
Coding change: c.1812+3G>A on transcript NM_015910.7 (MANE Select); 3 bases into the intron after coding-DNA position 1812, G replaced by A.
Molecular consequence: intron variant.
Genome position (GRCh38, 1-based): chr2:63,313,245, C>T on the plus strand (G>A on the coding strand, the complement: WDPCP is on the minus strand). VCF-style: chr2-63313245-C-T. GRCh37 (hg19) VCF-style: chr2-63540380-C-T.
Other names: c.1740+3G>A (NM_001354044.2); c.1335+3G>A (NM_001042692.3).
Identifiers: ClinVar variation 2148835 (VCV002148835.4), dbSNP rs371616817, ClinGen allele CA1682105.